The following is an entry in ClinVar:

ClinVar aggregate classification (germline): Pathogenic (1 of 4 stars; one submission).

Conditions:
Leber congenital amaurosis 8 (LCA8). Identifiers: Orphanet 65, MedGen C3151202, MONDO:0013453, OMIM 613835.
Retinitis pigmentosa 12 (RP12). Also called: RP WITH OR WITHOUT PPRPE; RP WITH OR WITHOUT PRESERVED PARAARTERIOLE RETINAL PIGMENT EPITHELIUM; RETINITIS PIGMENTOSA WITH OR WITHOUT PARAARTERIOLAR PRESERVATION OF RETINAL PIGMENT EPITHELIUM. Identifiers: Orphanet 791, MedGen C1838647, MONDO:0010818, OMIM 600105.

Submission:

Labcorp Genetics (formerly Invitae), Labcorp
Classification: Pathogenic for Leber congenital amaurosis 8; Retinitis pigmentosa 12. Last evaluated: 2021-10-13. Review status: criteria provided, single submitter. Criteria: Invitae Variant Classification Sherloc (09022015). Collection method: clinical testing. Allele origin: germline.
Comment: For these reasons, this variant has been classified as Pathogenic. Algorithms developed to predict the effect of sequence changes on RNA splicing suggest that this variant may create or strengthen a splice site. This variant has not been reported in the literature in individuals affected with CRB1-related conditions. This variant is not present in population databases (ExAC no frequency). This sequence change creates a premature translational stop signal (p.Leu798*) in the CRB1 gene. It is expected to result in an absent or disrupted protein product. Loss-of-function variants in CRB1 are known to be pathogenic (PMID: 10508521, 22065545, 23379534, 25412400, 26957898, 28041643, 29391521).

Literature cited by the submitters: PubMed 10508521; PubMed 22065545; PubMed 23379534; PubMed 25412400; PubMed 26957898; PubMed 28041643; PubMed 29391521.

NM_201253.3(CRB1):c.2393T>A (p.Leu798Ter)

Gene: CRB1 (crumbs cell polarity complex component 1; plus strand). Cytogenetic location: 1q31.3.
Variant type: single nucleotide variant.
Coding change: c.2393T>A on transcript NM_201253.3 (MANE Select); coding-DNA position 2393, T replaced by A.
Protein change: p.Leu798Ter; replaces leucine 798 with a stop codon.
Molecular consequence: nonsense. On other transcripts: non-coding transcript variant (2), intron variant (1).
Genome position (GRCh38, 1-based): chr1:197,427,718, T>A. VCF-style: chr1-197427718-T-A. GRCh37 (hg19) VCF-style: chr1-197396848-T-A.
Other names: c.2057T>A, p.Leu686Ter (NM_001193640.2); c.2186T>A, p.Leu729Ter (NM_001257965.2); c.2128+5762T>A (NM_001257966.2); short protein forms L686*, L798*, L729*.
Identifiers: ClinVar variation 1407037 (VCV001407037.6), dbSNP rs2125484499, ClinGen allele CA344037119.
Genomic context (GRCh38, chr1:197,427,718, plus strand): 5'-ACTCTCCCAAATTAGTAGTAAAATTTGTTCTTAATGATGGAAATGTCCACTTGATATCTT[T>A]GAAAATCAAGCCATATAAAATTGAACTGTATCAGTCTTCACAAAACCTAGGATTTATTTC-3'